The following continues an entry in ClinVar:

NM_024577.4(SH3TC2):c.2860C>T (p.Arg954Ter)

Gene: SH3TC2. ClinVar aggregate classification (germline): Pathogenic/Likely pathogenic. Pathogenic (36); Likely pathogenic (3).

Submissions 38 to 50 of 50:

Department of Clinical Genetics, Aarhus University Hospital
Classification: Pathogenic for Charcot-Marie-Tooth disease type 4C. Review status: criteria provided, single submitter. Criteria: ACMG Guidelines, 2015. Collection method: clinical testing. Allele origin: germline. Inheritance: Autosomal recessive inheritance. Affected: yes.
Comment: The variant is seen in the gnomAD 4.1 database (1683/1614014 alleles). The variant is a nonsense variant i exon 11 of 17, and is anticipated to result in nonsense mediated decay. The same variant has been reported in multiple other patients with SH3TC2-related disorder. According to the ACMG guidelines, this variant is interpreted as pathogenic (PVS1_very_strong, PM2_supporting, PM3_moderate).

Molecular Genetics Laboratory, London Health Sciences Centre
Classification: Pathogenic for Charcot-Marie-Tooth disease. Review status: criteria provided, single submitter. Criteria: ACMG Guidelines, 2015. Collection method: clinical testing. Allele origin: germline. Affected: yes.

Dept. of Medical Genetics, Telemark Hospital Trust, Telemark Hospital Trust
Classification: Pathogenic for Charcot-Marie-Tooth disease. Last evaluated: 2013-11-01. Review status: no assertion criteria provided. Collection method: research. Allele origin: biparental. Affected: yes. Clinical features observed: demyelinating type|scoliosis. Study: Charcot-Marie-Tooth disease study. Not counted in ClinVar's aggregate classification.
Comment: Observed in four sporadic individuals

Populational based study of Charcot-Marie-Tooth disease in Norway

OMIM
Classification: Pathogenic for CHARCOT-MARIE-TOOTH DISEASE, DEMYELINATING, TYPE 4C. Last evaluated: 2010-04-01. Review status: no assertion criteria provided. Collection method: literature only. Allele origin: germline. Not counted in ClinVar's aggregate classification.

OMIM
Classification: Pathogenic for MONONEUROPATHY OF THE MEDIAN NERVE, MILD. Last evaluated: 2010-04-01. Review status: no assertion criteria provided. Collection method: literature only. Allele origin: germline. Not counted in ClinVar's aggregate classification.

Clinical Genetics DNA and cytogenetics Diagnostics Lab, Erasmus MC, Erasmus Medical Center
Classification: Pathogenic. Review status: no assertion criteria provided. Collection method: clinical testing. Allele origin: germline. Affected: yes. Study: VKGL Data-share Consensus. Not counted in ClinVar's aggregate classification.

Clinical Genetics, Academic Medical Center
Classification: Pathogenic. Review status: no assertion criteria provided. Collection method: clinical testing. Allele origin: germline. Affected: yes. Study: VKGL Data-share Consensus. Not counted in ClinVar's aggregate classification.

GeneReviews
No classification provided. Condition: Charcot-Marie-Tooth disease type 4C. Review status: no classification provided. Collection method: literature only. Allele origin: germline. Not counted in ClinVar's aggregate classification.

Genome Diagnostics Laboratory, University Medical Center Utrecht
Classification: Pathogenic. Review status: no assertion criteria provided. Collection method: clinical testing. Allele origin: germline. Affected: yes. Study: VKGL Data-share Consensus. Not counted in ClinVar's aggregate classification.

Genomics England Pilot Project, Genomics England
Classification: Pathogenic for Charcot-Marie-Tooth disease type 4C. Review status: no assertion criteria provided. Criteria: ACGS Guidelines, 2016. Collection method: clinical testing. Allele origin: germline. Affected: yes. Not counted in ClinVar's aggregate classification.

Hong-Tao Li Lab, Institute of Brain Science and Brain-inspired Research, Shandong First Medical University & Shandong Academy of Medical Sciences China
Classification: Pathogenic for Charcot-Marie-Tooth disease type 4C. Review status: no assertion criteria provided. Collection method: research. Allele origin: germline. Inheritance: Autosomal recessive inheritance. Affected: yes. Observed: 1 variant allele, 1 homozygote. Not counted in ClinVar's aggregate classification.
Comment: Observed in affected individuals from a Pakistani neurodevelopmental-disorder research cohort of 263 individuals. Classification assigned using the ACMG/AMP framework. Population-frequency evidence: gnomAD AF 0.0007286.

Joint Genome Diagnostic Labs from Nijmegen and Maastricht, Radboudumc and MUMC+
Classification: Pathogenic. Review status: no assertion criteria provided. Collection method: clinical testing. Allele origin: germline. Affected: yes. Study: VKGL Data-share Consensus. Not counted in ClinVar's aggregate classification.

Next Generation Genetic Polyclinic
Classification: Pathogenic for Charcot-Marie-Tooth disease type 4C. Review status: no assertion criteria provided. Collection method: clinical testing. Allele origin: inherited. Affected: yes. Not counted in ClinVar's aggregate classification.

Literature cited by the submitters: PubMed 31346473 (cited by 4 submitters); PubMed 30653784 (cited by 5 submitters); PubMed 27231023 (cited by 4 submitters); PubMed 25737037 (cited by 4 submitters); PubMed 25326637 (cited by OLLIN Analises Genomicas, OLLIN and Dasa); PubMed 25025039 (cited by 6 submitters); PubMed 23806086 (cited by 3 submitters); PubMed 20220177 (cited by 7 submitters); PubMed 27068304 (cited by Labcorp Genetics (formerly Invitae), Labcorp); PubMed 14574644 (cited by 9 submitters); PubMed 16924012 (cited by 6 submitters); PubMed 18511281 (cited by 5 submitters); PubMed 19272779 (cited by 6 submitters); PubMed 19744956 (cited by 3 submitters); PubMed 32153140 (cited by Athena Diagnostics and Victorian Clinical Genetics Services, Murdoch Childrens Research Institute); PubMed 31393079 (cited by Athena Diagnostics and Victorian Clinical Genetics Services, Murdoch Childrens Research Institute); PubMed 21892769 (cited by Athena Diagnostics and GeneReviews); PubMed 21840889 (cited by 5 submitters); PubMed 21291453 (cited by Athena Diagnostics and GeneReviews); PubMed 27549087 (cited by Ambry Genetics); DOI 10.3238/oup.2019.0380-0382 (cited by Practice for Gait Abnormalities, David Pomarino, Competency Network Toe Walking C/o Practice Pomarino); PubMed 37091313 (cited by Practice for Gait Abnormalities, David Pomarino, Competency Network Toe Walking C/o Practice Pomarino); PMC 4306395 (cited by Dept. of Medical Genetics, Telemark Hospital Trust, Telemark Hospital Trust); PubMed 16806930 (cited by GeneReviews); PubMed 20301514 (cited by GeneReviews).